The following is an entry in ClinVar:

ClinVar aggregate classification (germline): Uncertain significance (1 of 4 stars; one submission).

Submission:

Women's Health and Genetics/Laboratory Corporation of America, LabCorp
Classification: Uncertain significance. Last evaluated: 2026-03-18. Review status: criteria provided, single submitter. Criteria: LabCorp Variant Classification Summary - May 2015. Collection method: clinical testing. Allele origin: germline.
Comment: Variant summary: CRB1 c.3158T>C (p.Met1053Thr) results in a non-conservative amino acid change in the encoded protein sequence. Algorithms developed to predict the effect of missense changes on protein structure and function are either unavailable or do not agree on the potential impact of this missense change. The variant was absent in 251102 control chromosomes. The available data on variant occurrences in the general population are insufficient to allow any conclusion about variant significance. To our knowledge, no occurrence of c.3158T>C in individuals affected with CRB1-related conditions and no experimental evidence demonstrating its impact on protein function have been reported. No submitters have cited clinical-significance assessments for this variant to ClinVar. Based on the evidence outlined above, the variant was classified as uncertain significance.

NM_201253.3(CRB1):c.3158T>C (p.Met1053Thr)

Gene: CRB1 (crumbs cell polarity complex component 1; plus strand). Cytogenetic location: 1q31.3.
Variant type: single nucleotide variant.
Coding change: c.3158T>C on transcript NM_201253.3 (MANE Select); coding-DNA position 3158, T replaced by C.
Protein change: p.Met1053Thr; replaces methionine 1053 with threonine.
Molecular consequence: missense variant. On other transcripts: non-coding transcript variant (2), intron variant (1).
Genome position (GRCh38, 1-based): chr1:197,435,021, T>C. VCF-style: chr1-197435021-T-C. GRCh37 (hg19) VCF-style: chr1-197404151-T-C.
Other names: c.2822T>C, p.Met941Thr (NM_001193640.2); c.3086T>C, p.Met1029Thr (NM_001257965.2); c.2129-579T>C (NM_001257966.2); short protein forms M1029T, M1053T, M941T.
Identifiers: ClinVar variation 4847107 (VCV004847107.1).